The following is an entry in ClinVar:

ClinVar aggregate classification (germline): Pathogenic. Review status: reviewed by expert panel (3 of 4 stars). 11 submissions from 10 submitters: Pathogenic (1). 10 of the submissions do not count toward it. Last evaluated 2017-03-17.

Conditions:
CFTR-related disorder (CFTR-RD). Also called: CFTR-related condition; CFTR-related disorders. Identifiers: MedGen C5924204, MONDO:7770004.
Congenital bilateral aplasia of vas deferens from CFTR mutation (CBAVD). Identifiers: Orphanet 48, MedGen C0403814, MONDO:0010178, OMIM 277180. Disease mechanism: loss of function.
Cystic fibrosis (CF). Also called: MUCOVISCIDOSIS. Identifiers: Orphanet 586, MedGen C0010674, MONDO:0009061, OMIM 219700. Disease mechanism: loss of function.
Bronchiectasis with or without elevated sweat chloride 1 (BESC1). Also called: Cystic Fibrosis-Like Syndrome. Identifiers: Orphanet 60033, MedGen C2749757, MONDO:0008887, OMIM 211400.

Allele frequency attached by ClinVar (database versions not stated): TOPMed 0.00001.
gnomAD v4.1: 5 of 1,520,924 alleles (0.00033%); highest among the groups gnomAD compares: African/African-American, 0.0042%; no homozygotes.

Submissions (11):

CFTR2
Classification: Pathogenic for Cystic fibrosis. Last evaluated: 2017-03-17. Review status: reviewed by expert panel. Criteria: Sosnay PR et al. (Nat Genet 2013). Collection method: research. Allele origin: germline. Affected: yes. Study: CFTR2.

Natera, Inc.
Classification: Pathogenic for CFTR-related disorders. Last evaluated: 2025-12-01. Review status: criteria provided, single submitter. Criteria: Natera Variant Classification Schema (03/2026). Collection method: clinical testing. Allele origin: germline. Not counted in ClinVar's aggregate classification.
Comment: The c.2374C>T variant in CFTR is a nonsense variant predicted to introduce a stop codon at amino acid 792. This variant is expected to result in nonsense mediated decay, truncation, or a dysfunctional protein product. This variant is rare in the general population with a frequency below the threshold expected for the associated phenotype(s). This variant has been observed in one or more individuals affected with the associated recessive disease, as either homozygous or compound heterozygous with a second variant (PMID: 27022295, 34276759). Given the available evidence, this variant is classified as Pathogenic.

Labcorp Genetics (formerly Invitae), Labcorp
Classification: Pathogenic for Cystic fibrosis. Last evaluated: 2025-09-25. Review status: criteria provided, single submitter. Criteria: Invitae Variant Classification Sherloc (09022015). Collection method: clinical testing. Allele origin: germline. Not counted in ClinVar's aggregate classification.
Comment: This sequence change creates a premature translational stop signal (p.Arg792*) in the CFTR gene. It is expected to result in an absent or disrupted protein product. Loss-of-function variants in CFTR are known to be pathogenic (PMID: 1695717, 7691345, 9725922). This variant is present in population databases (rs145449046, gnomAD 0.007%). This premature translational stop signal has been observed in individuals with cystic fibrosis (PMID: 7691344, 27081564, 28603918). ClinVar contains an entry for this variant (Variation ID: 53483). For these reasons, this variant has been classified as Pathogenic.

Baylor Genetics
Classification: Pathogenic for Bronchiectasis with or without elevated sweat chloride 1. Last evaluated: 2023-12-07. Review status: criteria provided, single submitter. Criteria: ACMG Guidelines, 2015. Collection method: clinical testing. Allele origin: unknown. Not counted in ClinVar's aggregate classification.

Ambry Genetics
Classification: Pathogenic for Cystic fibrosis. Last evaluated: 2023-03-10. Review status: criteria provided, single submitter. Criteria: Ambry Variant Classification Scheme 2023. Collection method: clinical testing. Allele origin: germline. Not counted in ClinVar's aggregate classification.
Comment: The p.R792* pathogenic mutation (also known as c.2374C>T), located in coding exon 14 of the CFTR gene, results from a C to T substitution at nucleotide position 2374. This changes the amino acid from an arginine to a stop codon within coding exon 14. This mutation was first detected in an individual with cystic fibrosis; however, the presence of a second CFTR variant was not reported (Claustres M et al. Hum Mol Genet, 1993 Aug;2:1209-13). This variant has been reported in multiple individuals with an elevated sweat chloride level in The Clinical and Functional TRanslation of CFTR (CFTR2) database (available at CFTR2. Accessed 3/9/2023). This alteration is expected to result in loss of function by premature protein truncation or nonsense-mediated mRNA decay. As such, this alteration is interpreted as a disease-causing mutation.

Johns Hopkins Genomics, Johns Hopkins University
Classification: Pathogenic for Cystic fibrosis. Last evaluated: 2020-01-27. Review status: criteria provided, single submitter. Criteria: ACMG Guidelines, 2015. Collection method: clinical testing. Allele origin: germline. Not counted in ClinVar's aggregate classification.
Comment: Disease-causing CFTR variant. See CFTR2 for phenotype information.

Mendelics
Classification: Pathogenic for Cystic fibrosis. Last evaluated: 2018-11-05. Review status: criteria provided, single submitter. Criteria: Mendelics Assertion Criteria 2017. Collection method: clinical testing. Allele origin: unknown. Affected: yes. Not counted in ClinVar's aggregate classification.

Women's Health and Genetics/Laboratory Corporation of America, LabCorp
Classification: Pathogenic. Last evaluated: 2018-02-08. Review status: criteria provided, single submitter. Criteria: LabCorp Variant Classification Summary - May 2015. Collection method: clinical testing. Allele origin: germline. Not counted in ClinVar's aggregate classification.
Comment: Variant summary: CFTR c.2374C>T (p.Arg792X) results in a premature termination codon, predicted to cause a truncation of the encoded protein or absence of the protein due to nonsense mediated decay, which are commonly known mechanisms for disease. Truncations downstream of this position have been classified as pathogenic by our laboratory (eg. c.2491G>T, p.Glu831X; c.2551C>T, p.Arg851X; c.2554dupT, p.Tyr852fsX44). The variant was absent in 110418 control chromosomes (ExAC). The variant has been reported in CF patients in the literature in trans with pathogenic CFTR variants (Claustres_2000, des Georges_2004, Sanchez_2016, Shen_2016, Tian_2016, and Filleron_2011). One clinical diagnostic laboratory has submitted clinical-significance assessments for this variant to ClinVar after 2014, which classified it as pathogenic. Based on the evidence outlined above, the variant was classified as pathogenic.

CFTR-France
Classification: Pathogenic for cystic fibrosis. Last evaluated: 2018-01-29. Review status: criteria provided, single submitter. Criteria: Claustres M et al. (Hum Mutat 2017). Collection method: curation. Allele origin: germline. Affected: yes. Not counted in ClinVar's aggregate classification.

Baylor Genetics
Classification: Pathogenic for Congenital bilateral aplasia of vas deferens from CFTR mutation; Cystic fibrosis. Review status: criteria provided, single submitter. Criteria: ACMG Guidelines, 2015. Collection method: clinical testing. Allele origin: germline. Not counted in ClinVar's aggregate classification.

Counsyl
Classification: Pathogenic for Cystic fibrosis. Last evaluated: 2017-07-25. Review status: no assertion criteria provided. Collection method: clinical testing. Allele origin: unknown. Not counted in ClinVar's aggregate classification.

Literature cited by the submitters: PubMed 27022295 (cited by Natera, Inc.); PubMed 34276759 (cited by Natera, Inc.); PubMed 1695717 (cited by Labcorp Genetics (formerly Invitae), Labcorp); PubMed 7691345 (cited by Labcorp Genetics (formerly Invitae), Labcorp); PubMed 9725922 (cited by Labcorp Genetics (formerly Invitae), Labcorp); PubMed 7691344 (cited by Labcorp Genetics (formerly Invitae), Labcorp and Ambry Genetics); PubMed 27081564 (cited by Labcorp Genetics (formerly Invitae), Labcorp and Women's Health and Genetics/Laboratory Corporation of America, LabCorp); PubMed 28603918 (cited by Labcorp Genetics (formerly Invitae), Labcorp); PubMed 21636331 (cited by Women's Health and Genetics/Laboratory Corporation of America, LabCorp); PubMed 15698946 (cited by Women's Health and Genetics/Laboratory Corporation of America, LabCorp); PubMed 26826884 (cited by Women's Health and Genetics/Laboratory Corporation of America, LabCorp); PubMed 8707306 (cited by Women's Health and Genetics/Laboratory Corporation of America, LabCorp).

NM_000492.4(CFTR):c.2374C>T (p.Arg792Ter)

Gene: CFTR (CF transmembrane conductance regulator; plus strand). Cytogenetic location: 7q31.2.
Variant type: single nucleotide variant.
Coding change: c.2374C>T on transcript NM_000492.4 (MANE Select); coding-DNA position 2374, C replaced by T.
Protein change: p.Arg792Ter; replaces arginine 792 with a stop codon.
Molecular consequence: nonsense.
Genome position (GRCh38, 1-based): chr7:117,592,541, C>T. VCF-style: chr7-117592541-C-T. GRCh37 (hg19) VCF-style: chr7-117232595-C-T.
Other names: short protein forms R792*.
Identifiers: ClinVar variation 53483 (VCV000053483.23), dbSNP rs145449046, ClinGen allele CA326807.
Genomic context (GRCh38, chr7:117,592,541, plus strand): 5'-CTGATGACACACTCAGTTAACCAAGGTCAGAACATTCACCGAAAGACAACAGCATCCACA[C>T]GAAAAGTGTCACTGGCCCCTCAGGCAAACTTGACTGAACTGGATATATATTCAAGAAGGT-3'